The following is an entry in ClinVar:

NM_183075.3(CYP2U1):c.281C>T (p.Ala94Val)

Genes: CYP2U1 (cytochrome P450 family 2 subfamily U member 1; plus strand), CYP2U1-AS1 (CYP2U1 and SGMS2 antisense RNA 1; minus strand). Cytogenetic location: 4q25.
Variant type: single nucleotide variant.
Coding change: c.281C>T on transcript NM_183075.3 (MANE Select); coding-DNA position 281, C replaced by T.
Protein change: p.Ala94Val; replaces alanine 94 with valine.
Molecular consequence: missense variant.
Genome position (GRCh38, 1-based): chr4:107,931,924, C>T. VCF-style: chr4-107931924-C-T. GRCh37 (hg19) VCF-style: chr4-108853080-C-T.
Other names: c.281C>T (NM_183075.2); short protein forms A94V.
Identifiers: ClinVar variation 2051823 (VCV002051823.5), dbSNP rs1279759872, ClinGen allele CA357832299.

ClinVar aggregate classification (germline): Uncertain significance. Review status: criteria provided, multiple submitters, no conflicts (2 of 4 stars). 2 submissions from 2 submitters: Uncertain significance (2). Last evaluated 2024-10-28.

Conditions:
Spastic paraplegia. Identifiers: MedGen C0037772, HP:0001258.
Inborn genetic diseases. Identifiers: MedGen C0950123, MeSH D030342.

Allele frequency attached by ClinVar (database versions not stated): gnomAD exomes below 0.00001; gnomAD 0.00001.
gnomAD v4.1: 3 of 1,551,042 alleles (0.00019%); highest among the groups gnomAD compares: Non-Finnish European, 0.00026%; no homozygotes.

Submissions (2):

Ambry Genetics
Classification: Uncertain significance for Inborn genetic diseases. Last evaluated: 2024-10-28. Review status: criteria provided, single submitter. Criteria: Ambry Variant Classification Scheme 2023. Collection method: clinical testing. Allele origin: germline.

Labcorp Genetics (formerly Invitae), Labcorp
Classification: Uncertain significance for Spastic paraplegia. Last evaluated: 2022-05-06. Review status: criteria provided, single submitter. Criteria: Invitae Variant Classification Sherloc (09022015). Collection method: clinical testing. Allele origin: germline.
Comment: This sequence change replaces alanine, which is neutral and non-polar, with valine, which is neutral and non-polar, at codon 94 of the CYP2U1 protein (p.Ala94Val). The frequency data for this variant in the population databases is considered unreliable, as metrics indicate poor data quality at this position in the gnomAD database. This variant has not been reported in the literature in individuals affected with CYP2U1-related conditions. Advanced modeling of protein sequence and biophysical properties (such as structural, functional, and spatial information, amino acid conservation, physicochemical variation, residue mobility, and thermodynamic stability) performed at Invitae indicates that this missense variant is not expected to disrupt CYP2U1 protein function. In summary, the available evidence is currently insufficient to determine the role of this variant in disease. Therefore, it has been classified as a Variant of Uncertain Significance.